The following is an entry in ClinVar:

ClinVar aggregate classification (germline): Uncertain significance (1 of 4 stars; one submission).

Allele frequency attached by ClinVar (database versions not stated): gnomAD exomes below 0.00001.
gnomAD v4.1: 1 of 1,614,142 alleles (0.000062%); highest among the groups gnomAD compares: Non-Finnish European, 0.000085%; no homozygotes.

Submission:

GeneDx
Classification: Uncertain significance. Last evaluated: 2022-06-13. Review status: criteria provided, single submitter. Criteria: GeneDx Variant Classification Process June 2021. Collection method: clinical testing. Allele origin: germline. Affected: yes.
Comment: Not observed at significant frequency in large population cohorts (gnomAD); In silico analysis supports that this missense variant has a deleterious effect on protein structure/function; Has not been previously published as pathogenic or benign to our knowledge

NM_021224.6(ZNF462):c.6919T>C (p.Phe2307Leu)

Genes: ZNF462 (zinc finger protein 462; plus strand), LOC340512 (uncharacterized LOC340512; minus strand). Cytogenetic location: 9q31.2.
Variant type: single nucleotide variant.
Coding change: c.6919T>C on transcript NM_021224.6 (MANE Select); coding-DNA position 6919, T replaced by C.
Protein change: p.Phe2307Leu; replaces phenylalanine 2307 with leucine.
Molecular consequence: missense variant.
Genome position (GRCh38, 1-based): chr9:106,984,272, T>C. VCF-style: chr9-106984272-T-C. GRCh37 (hg19) VCF-style: chr9-109746553-T-C.
Other names: c.4324T>C, p.Phe1442Leu (NM_001347997.2); short protein forms F1442L, F2307L.
Identifiers: ClinVar variation 1804276 (VCV001804276.1), dbSNP rs2539495159, ClinGen allele CA374660474.